The following is an entry in ClinVar:

ClinVar aggregate classification (germline): Pathogenic (1 of 4 stars; one submission).

Submission:

Labcorp Genetics (formerly Invitae), Labcorp
Classification: Pathogenic. Last evaluated: 2022-09-19. Review status: criteria provided, single submitter. Criteria: Invitae Variant Classification Sherloc (09022015). Collection method: clinical testing. Allele origin: germline.
Comment: This variant is not present in population databases (gnomAD no frequency). This sequence change creates a premature translational stop signal (p.Ala153Profs*7) in the C8A gene. It is expected to result in an absent or disrupted protein product. Loss-of-function variants in C8A are known to be pathogenic (PMID: 9759902). This variant has not been reported in the literature in individuals affected with C8A-related conditions. For these reasons, this variant has been classified as Pathogenic. ClinVar contains an entry for this variant (Variation ID: 1372154).

Literature cited by the submitters: PubMed 9759902.

NM_000562.3(C8A):c.456del (p.Ala153fs)

Gene: C8A (complement C8 alpha chain; plus strand). Cytogenetic location: 1p32.2.
Variant type: Deletion.
Coding change: c.456del on transcript NM_000562.3 (MANE Select); coding-DNA position 456, one base deleted (A; older notation c.456delA).
Protein change: p.Ala153fs; shifts the reading frame from alanine 153.
Molecular consequence: frameshift variant.
Genome position (GRCh38, 1-based): chr1:56,876,201, A deleted. VCF-style (leftmost placement, unchanged base first): chr1-56876200-CA-C. GRCh37 (hg19) VCF-style: chr1-57341873-CA-C.
Other names: short protein forms A153fs.
Identifiers: ClinVar variation 1372154 (VCV001372154.6), dbSNP rs2101219709, ClinGen allele CA2573132437.